The following is an entry in ClinVar:

NM_001077350.3(NPRL3):c.319-1G>T

Genes: HBA-LCR (alpha-globin locus control region; plus strand), NPRL3 (NPR3 like, GATOR1 complex subunit; minus strand). Cytogenetic location: 16p13.3.
Variant type: single nucleotide variant.
Coding change: c.319-1G>T on transcript NM_001077350.3 (MANE Select); the canonical splice acceptor site of the intron before coding-DNA position 319, G replaced by T.
Molecular consequence: splice acceptor variant. On other transcripts: intron variant (3).
Genome position (GRCh38, 1-based): chr16:117,376, C>A on the plus strand (G>T on the coding strand, the complement: NPRL3 is on the minus strand). VCF-style: chr16-117376-C-A. GRCh37 (hg19) VCF-style: chr16-167375-C-A.
Other names: c.85-1G>T (NM_001243247.2); c.318+1750G>T (NM_001243248.2, NM_001243249.2); c.-144-4601G>T (NM_001039476.3).
Identifiers: ClinVar variation 422528 (VCV000422528.2), dbSNP rs1064795838, ClinGen allele CA16620066.

ClinVar aggregate classification (germline): Likely pathogenic (1 of 4 stars; one submission).

Submission:

GeneDx
Classification: Likely pathogenic. Last evaluated: 2016-10-31. Review status: criteria provided, single submitter. Criteria: GeneDx Variant Classification (06012015). Collection method: clinical testing. Allele origin: germline. Affected: yes.
Comment: The c.319-1G>T variant in the NPRL3 gene has not been reported previously as a pathogenic variant nor as a benign variant, to our knowledge. This splice site variant destroys the canonical splice acceptor site in intron 4. It is predicted to cause abnormal gene splicing, either leading to an abnormal message that is subject to nonsense-mediated mRNA decay, or to an abnormal protein product if the message is used for protein translation. The c.319-1G>T variant was not observed in approximately 6000 individuals of European and African American ancestry in the NHLBI Exome Sequencing Project, indicating it is not a common benign variant in these populations. The c.319-1G>T variant is a strong candidate for a pathogenic variant; however the possibility it may be a rare benign variant cannot be excluded.